The following is an entry in ClinVar:

ClinVar aggregate classification (germline): Uncertain significance. Review status: criteria provided, multiple submitters, no conflicts (2 of 4 stars). 8 submissions from 7 submitters: Uncertain significance (6). 2 of the submissions do not count toward it. Last evaluated 2026-09-15.

Conditions:
MKS1-related disorder. Also called: MKS1-related disorders; MKS1-related condition. Identifiers: MedGen CN239382.
Joubert syndrome. Also called: Familial aplasia of the vermis; JOUBERT-BOLTSHAUSER SYNDROME. Identifiers: Orphanet 475, MedGen C5979921, MONDO:0018772.
Meckel-Gruber syndrome. Also called: DYSENCEPHALIA SPLANCHNOCYSTICA; GRUBER SYNDROME; Dysencephalia splachnocystica. Identifiers: Orphanet 564, MedGen C0265215, MONDO:0018921.
Bardet-Biedl syndrome 13 (BBS13). Identifiers: Orphanet 110, MedGen C2673873, MONDO:0014441, OMIM 615990.
Meckel syndrome, type 1 (MKS1). Also called: MECKEL-GRUBER SYNDROME, TYPE 1. Identifiers: Orphanet 564, MedGen C3714506, MONDO:0009571, OMIM 249000.
Joubert syndrome 28 (JBTS28). Identifiers: MedGen C4310705, MONDO:0014928, OMIM 617121.

Allele frequency attached by ClinVar (database versions not stated): ExAC 0.00002; TOPMed 0.00002; gnomAD exomes 0.00003.
gnomAD v4.1: 38 of 1,613,892 alleles (0.0024%); highest among the groups gnomAD compares: East Asian, 0.0067%; no homozygotes.

Submissions (8):

PreventionGenetics, part of Exact Sciences
Classification: Uncertain significance for MKS1-related condition. Last evaluated: 2026-09-15. Review status: criteria provided, single submitter. Criteria: ACMG Guidelines, 2015. Collection method: clinical testing. Allele origin: germline.
Comment: The MKS1 c.1543C>T variant is predicted to result in the amino acid substitution p.Arg515Cys. To our knowledge, this variant has not been reported in the literature. This variant is reported in 0.0058% of alleles in individuals of Latino descent in gnomAD. At this time, the clinical significance of this variant is uncertain due to the absence of conclusive functional and genetic evidence.

Labcorp Genetics (formerly Invitae), Labcorp
Classification: Uncertain significance for Joubert syndrome; Meckel-Gruber syndrome. Last evaluated: 2022-07-25. Review status: criteria provided, single submitter. Criteria: Invitae Variant Classification Sherloc (09022015). Collection method: clinical testing. Allele origin: germline.
Comment: This sequence change replaces arginine, which is basic and polar, with cysteine, which is neutral and slightly polar, at codon 515 of the MKS1 protein (p.Arg515Cys). This variant is present in population databases (rs775558298, gnomAD 0.006%). This variant has not been reported in the literature in individuals affected with MKS1-related conditions. ClinVar contains an entry for this variant (Variation ID: 324158). Algorithms developed to predict the effect of missense changes on protein structure and function are either unavailable or do not agree on the potential impact of this missense change (SIFT: "Deleterious"; PolyPhen-2: "Benign"; Align-GVGD: "Class C0"). In summary, the available evidence is currently insufficient to determine the role of this variant in disease. Therefore, it has been classified as a Variant of Uncertain Significance.

Fulgent Genetics
Classification: Uncertain significance for Meckel syndrome, type 1; Bardet-Biedl syndrome 13; Joubert syndrome 28. Last evaluated: 2018-10-31. Review status: criteria provided, single submitter. Criteria: ACMG Guidelines, 2015. Collection method: clinical testing. Allele origin: unknown.

Eurofins Ntd Llc (ga)
Classification: Uncertain significance. Last evaluated: 2018-08-17. Review status: criteria provided, single submitter. Criteria: EGL ClinVar v180209 classification definitions. Collection method: clinical testing. Allele origin: germline. Observed: 2 variant alleles, 2 heterozygotes.

Illumina Laboratory Services, Illumina
Classification: Uncertain significance for Meckel syndrome, type 1. Last evaluated: 2018-01-13. Review status: criteria provided, single submitter. Criteria: ICSL Variant Classification Criteria 13 December 2019. Collection method: clinical testing. Allele origin: germline.

Illumina Laboratory Services, Illumina
Classification: Uncertain significance for Bardet-Biedl syndrome 13. Last evaluated: 2018-01-13. Review status: criteria provided, single submitter. Criteria: ICSL Variant Classification Criteria 13 December 2019. Collection method: clinical testing. Allele origin: germline.

Natera, Inc.
Classification: Uncertain significance for Meckel syndrome type 1. Last evaluated: 2020-02-22. Review status: no assertion criteria provided. Collection method: clinical testing. Allele origin: germline. Not counted in ClinVar's aggregate classification.

Counsyl
Classification: Uncertain significance for Meckel syndrome, type 1; Bardet-Biedl syndrome 13; Joubert syndrome 28. Last evaluated: 2017-04-14. Review status: no assertion criteria provided. Collection method: clinical testing. Allele origin: unknown. Not counted in ClinVar's aggregate classification.

NM_017777.4(MKS1):c.1543C>T (p.Arg515Cys)

Gene: MKS1 (MKS transition zone complex subunit 1; minus strand). Cytogenetic location: 17q22.
Variant type: single nucleotide variant.
Coding change: c.1543C>T on transcript NM_017777.4 (MANE Select); coding-DNA position 1543, C replaced by T.
Protein change: p.Arg515Cys; replaces arginine 515 with cysteine.
Molecular consequence: missense variant. On other transcripts: synonymous variant (1).
Genome position (GRCh38, 1-based): chr17:58,206,328, G>A on the plus strand (C>T on the coding strand, the complement: MKS1 is on the minus strand). VCF-style: chr17-58206328-G-A. GRCh37 (hg19) VCF-style: chr17-56283689-G-A.
Other names: c.934C>T, p.Arg312Cys (NM_001321268.2); c.1460C>T, p.Pro487Leu (NM_001321269.2); c.1326C>T, p.Thr442= (NM_001330397.2); short protein forms R515C, P487L, R312C.
Identifiers: ClinVar variation 324158 (VCV000324158.18), dbSNP rs775558298, ClinGen allele CA8669091.